The following is an entry in ClinVar:

ClinVar aggregate classification (germline): Uncertain significance (1 of 4 stars; one submission).

Conditions:
Neonatal-onset encephalopathy with rigidity and seizures. Also called: Lethal neonatal spasticity-epileptic encephalopathy syndrome. Identifiers: Orphanet 435845, MedGen C3281029, MONDO:0013784, OMIM 614498.

Submission:

Labcorp Genetics (formerly Invitae), Labcorp
Classification: Uncertain significance for Neonatal-onset encephalopathy with rigidity and seizures. Last evaluated: 2022-06-01. Review status: criteria provided, single submitter. Criteria: Invitae Variant Classification Sherloc (09022015). Collection method: clinical testing. Allele origin: germline.
Comment: In summary, the available evidence is currently insufficient to determine the role of this variant in disease. Therefore, it has been classified as a Variant of Uncertain Significance. Algorithms developed to predict the effect of missense changes on protein structure and function are either unavailable or do not agree on the potential impact of this missense change (SIFT: "Deleterious"; PolyPhen-2: "Possibly Damaging"; Align-GVGD: "Class C0"). This variant has not been reported in the literature in individuals affected with BRAT1-related conditions. The frequency data for this variant in the population databases is considered unreliable, as metrics indicate poor data quality at this position in the gnomAD database. This sequence change replaces valine, which is neutral and non-polar, with phenylalanine, which is neutral and non-polar, at codon 319 of the BRAT1 protein (p.Val319Phe).

NM_152743.4(BRAT1):c.955G>T (p.Val319Phe)

Gene: BRAT1 (BRCA1 associated ATM activator 1; minus strand). Cytogenetic location: 7p22.3.
Variant type: single nucleotide variant.
Coding change: c.955G>T on transcript NM_152743.4 (MANE Select); coding-DNA position 955, G replaced by T.
Protein change: p.Val319Phe; replaces valine 319 with phenylalanine.
Molecular consequence: missense variant. On other transcripts: non-coding transcript variant (1).
Genome position (GRCh38, 1-based): chr7:2,542,180, C>A on the plus strand (G>T on the coding strand, the complement: BRAT1 is on the minus strand). VCF-style: chr7-2542180-C-A. GRCh37 (hg19) VCF-style: chr7-2581814-C-A.
Other names: c.955G>T, p.Val319Phe (NM_001350626.2); c.430G>T, p.Val144Phe (NM_001350627.2); short protein forms V144F, V319F.
Identifiers: ClinVar variation 2001767 (VCV002001767.4), dbSNP rs140903769, ClinGen allele CA366630345.